The following is an entry in ClinVar:

ClinVar aggregate classification (germline): Conflicting classifications of pathogenicity. Review status: criteria provided, conflicting classifications (1 of 4 stars). 3 submissions from 3 submitters: Likely pathogenic (2); Uncertain significance (1). Last evaluated 2024-05-07.

Conditions:
Polycystic kidney disease, adult type (PKD1). Also called: Polycystic Kidney Disease 1, Autosomal Dominant; Polycystic kidney disease 1; Polycystic kidney disease 1, severe; Polycystic Kidney, Autosomal Dominant; POLYCYSTIC KIDNEY DISEASE 1 WITH OR WITHOUT POLYCYSTIC LIVER DISEASE; POLYCYSTIC KIDNEY DISEASE, ADULT, TYPE I. Identifiers: MedGen C3149841, MONDO:0008263, OMIM 173900.
Autosomal dominant polycystic kidney disease. Identifiers: Orphanet 730, MedGen C0085413, MONDO:0004691.

Submissions (3):

Fulgent Genetics
Classification: Likely pathogenic for Polycystic kidney disease, adult type. Last evaluated: 2024-05-07. Review status: criteria provided, single submitter. Criteria: ACMG Guidelines, 2015. Collection method: clinical testing. Allele origin: germline.

Molecular Genetics of Inherited Kidney Disorders Laboratory, Garvan Institute of Medical Research
Classification: Likely pathogenic for Autosomal dominant polycystic kidney disease. Last evaluated: 2022-11-20. Review status: criteria provided, single submitter. Criteria: ACMG Guidelines, 2015. Collection method: research. Allele origin: maternal. Affected: yes. Observed: 2 variant alleles.

University of Iowa Renal Genetics Clinic, University of Iowa
Classification: Uncertain significance for Polycystic kidney disease, adult type. Last evaluated: 2020-05-06. Review status: criteria provided, single submitter. Criteria: ACMG Guidelines, 2015. Collection method: clinical testing. Allele origin: germline. Inheritance: Autosomal dominant inheritance. Affected: yes. Observed: 1 heterozygote.
Comment: One variant of uncertain significance was identified in the PKD1 gene (c.1991C>T, p.Ala664Val). This variant affects an exonic splicing enhancer and could potentially activate an exonic cryptic donor site altering splicing (Variation +46.96% [Desmet FO, Hamroun D, Lalande M, Collod-Beroud G, Claustres M, Beroud C. Human Splicing Finder: an online bioinformatics tool to predict splicing signals. Nucleic Acids Res. 2009;37(9)]). This variant has not been reported by the Genome Aggregation Database and is predicted to be pathogenic by 1 of 4 pathogenicity methods (PhyloP, SIFT, LRT, Polyphen HDIV, Mutation Taster, and GERP).

NM_001009944.3(PKD1):c.1991C>T (p.Ala664Val)

Gene: PKD1 (polycystin 1, transient receptor potential channel interacting; minus strand). Cytogenetic location: 16p13.3.
Variant type: single nucleotide variant.
Coding change: c.1991C>T on transcript NM_001009944.3 (MANE Select); coding-DNA position 1991, C replaced by T.
Protein change: p.Ala664Val; replaces alanine 664 with valine.
Molecular consequence: missense variant.
Genome position (GRCh38, 1-based): chr16:2,115,484, G>A on the plus strand (C>T on the coding strand, the complement: PKD1 is on the minus strand). VCF-style: chr16-2115484-G-A. GRCh37 (hg19) VCF-style: chr16-2165485-G-A.
Other names: c.1991C>T, p.Ala664Val (NM_000296.4); short protein forms A664V.
Identifiers: ClinVar variation 1800460 (VCV001800460.26), dbSNP rs781018494, ClinGen allele CA394389749.